The following is an entry in ClinVar:

ClinVar aggregate classification (germline): Uncertain significance. Review status: criteria provided, multiple submitters, no conflicts (2 of 4 stars). 4 submissions from 4 submitters: Uncertain significance (4). Last evaluated 2023-11-13.

Conditions:
Inborn genetic diseases. Identifiers: MedGen C0950123, MeSH D030342.

Allele frequency attached by ClinVar (database versions not stated): gnomAD exomes 0.00001.

Submissions (4):

Blueprint Genetics
Classification: Uncertain significance. Last evaluated: 2023-11-13. Review status: criteria provided, single submitter. Criteria: ACMG Guidelines, 2015. Collection method: clinical testing. Allele origin: germline.

Mayo Clinic Laboratories, Mayo Clinic
Classification: Uncertain significance. Last evaluated: 2023-10-30. Review status: criteria provided, single submitter. Criteria: ACMG Guidelines, 2015. Collection method: clinical testing. Allele origin: germline. Observed: 1 variant allele.

Labcorp Genetics (formerly Invitae), Labcorp
Classification: Uncertain significance. Last evaluated: 2022-09-13. Review status: criteria provided, single submitter. Criteria: Invitae Variant Classification Sherloc (09022015). Collection method: clinical testing. Allele origin: germline.
Comment: This sequence change replaces isoleucine, which is neutral and non-polar, with valine, which is neutral and non-polar, at codon 199 of the COQ2 protein (p.Ile199Val). This variant is present in population databases (no rsID available, gnomAD 0.003%). This variant has not been reported in the literature in individuals affected with COQ2-related conditions. Advanced modeling of protein sequence and biophysical properties (such as structural, functional, and spatial information, amino acid conservation, physicochemical variation, residue mobility, and thermodynamic stability) performed at Invitae indicates that this missense variant is not expected to disrupt COQ2 protein function. In summary, the available evidence is currently insufficient to determine the role of this variant in disease. Therefore, it has been classified as a Variant of Uncertain Significance.

Ambry Genetics
Classification: Uncertain significance for Inborn genetic diseases. Last evaluated: 2022-01-04. Review status: criteria provided, single submitter. Criteria: Ambry Variant Classification Scheme 2023. Collection method: clinical testing. Allele origin: germline.

NM_001358921.2(COQ2):c.445A>G (p.Ile149Val)

Gene: COQ2 (coenzyme Q2, polyprenyltransferase; minus strand). Cytogenetic location: 4q21.23.
Variant type: single nucleotide variant.
Coding change: c.445A>G on transcript NM_001358921.2 (MANE Select); coding-DNA position 445, A replaced by G.
Protein change: p.Ile149Val; replaces isoleucine 149 with valine.
Molecular consequence: missense variant.
Genome position (GRCh38, 1-based): chr4:83,273,593, T>C on the plus strand (A>G on the coding strand, the complement: COQ2 is on the minus strand). VCF-style: chr4-83273593-T-C. GRCh37 (hg19) VCF-style: chr4-84194746-T-C.
Other names: p.Ile199Val; c.595A>G, p.Ile199Val (NM_015697.9); c.595A>G (NM_015697.8, NM_015697.7); short protein forms I149V, I199V.
Identifiers: ClinVar variation 2162055 (VCV002162055.4), dbSNP rs1288405721, ClinGen allele CA357230332.